The following is an entry in ClinVar:

NM_001035.3(RYR2):c.2041C>T (p.His681Tyr)

Gene: RYR2 (ryanodine receptor 2; plus strand). Cytogenetic location: 1q43.
Variant type: single nucleotide variant.
Coding change: c.2041C>T on transcript NM_001035.3 (MANE Select); coding-DNA position 2041, C replaced by T.
Protein change: p.His681Tyr; replaces histidine 681 with tyrosine.
Molecular consequence: missense variant.
Genome position (GRCh38, 1-based): chr1:237,496,590, C>T. VCF-style: chr1-237496590-C-T. GRCh37 (hg19) VCF-style: chr1-237659890-C-T.
Other names: short protein forms H681Y.
Identifiers: ClinVar variation 2774259 (VCV002774259.2), dbSNP rs2545835638, ClinGen allele CA345391491.
Genomic context (GRCh38, chr1:237,496,590, plus strand): 5'-CTGGGCGTCAGTGAAGGTTCTGCTCAGTATAAGAAATGGTACTATGAATTGATGGTGGAC[C>T]ACACAGAGCCCTTTGTGACAGCTGAAGCAACTCACCTGCGAGTGGGCTGGGCTTCCACTG-3'
Protein context (NP_001026.2, residues 671-691): KKWYYELMVD[His681Tyr]TEPFVTAEAT

ClinVar aggregate classification (germline): Uncertain significance (1 of 4 stars; one submission).

Conditions:
Cardiomyopathy (CMYO). Also called: Cardiomyopathies. Identifiers: Orphanet 167848, MedGen C0878544, MONDO:0004994, HP:0001638. Inheritance: Various modes of inheritance.

Allele frequency attached by ClinVar (database versions not stated): gnomAD exomes below 0.00001.
gnomAD v4.1: 1 of 1,613,882 alleles (0.000062%); highest among the groups gnomAD compares: Non-Finnish European, 0.000085%; no homozygotes.

Submission:

Color Diagnostics, LLC DBA Color Health
Classification: Uncertain significance for Cardiomyopathy. Last evaluated: 2024-03-06. Review status: criteria provided, single submitter. Criteria: ACMG Guidelines, 2015. Collection method: clinical testing. Allele origin: germline.
Comment: This missense variant replaces histidine with tyrosine at codon 681 of the RYR2 protein. Computational prediction suggests that this variant may not impact protein structure and function (internally defined REVEL score threshold <= 0.5, PMID: 27666373). To our knowledge, functional studies have not been reported for this variant. This variant has not been reported in individuals affected with cardiovascular disorders in the literature. This variant has not been identified in the general population by the Genome Aggregation Database (gnomAD). The available evidence is insufficient to determine the role of this variant in disease conclusively. Therefore, this variant is classified as a Variant of Uncertain Significance.